The following is an entry in ClinVar:

NM_031935.3(HMCN1):c.7676A>G (p.Lys2559Arg)

Gene: HMCN1 (hemicentin 1; plus strand). Cytogenetic location: 1q31.1.
Variant type: single nucleotide variant.
Coding change: c.7676A>G on transcript NM_031935.3 (MANE Select); coding-DNA position 7676, A replaced by G.
Protein change: p.Lys2559Arg; replaces lysine 2559 with arginine.
Molecular consequence: missense variant.
Genome position (GRCh38, 1-based): chr1:186,065,400, A>G. VCF-style: chr1-186065400-A-G. GRCh37 (hg19) VCF-style: chr1-186034532-A-G.
Other names: short protein forms K2559R.
Identifiers: ClinVar variation 1393051 (VCV001393051.6), dbSNP rs1009060988, ClinGen allele CA33459484.
Genomic context (GRCh38, chr1:186,065,400, plus strand): 5'-ATGTCCAGGTGCCACACACTGGAAGATATACATGTTTGGCTTCCAGTCCAGCTGGCCACA[A>G]GAGCAGGAGCTTCAGTCTTAATGTATTTGGTAGGTGTGGGCTTTTCTTCATATCTTAAAG-3'
Protein context (NP_114141.2, residues 2549-2569): TCLASSPAGH[Lys2559Arg]SRSFSLNVFV

ClinVar aggregate classification (germline): Uncertain significance (1 of 4 stars; one submission).

Allele frequency attached by ClinVar (database versions not stated): gnomAD exomes below 0.00001; gnomAD 0.00003 and 0.00004; TOPMed 0.00003.
gnomAD v4.1: 10 of 1,608,772 alleles (0.00062%); highest among the groups gnomAD compares: African/African-American, 0.0094%; no homozygotes.

Submission:

Labcorp Genetics (formerly Invitae), Labcorp
Classification: Uncertain significance. Last evaluated: 2022-10-13. Review status: criteria provided, single submitter. Criteria: Invitae Variant Classification Sherloc (09022015). Collection method: clinical testing. Allele origin: germline.
Comment: In summary, the available evidence is currently insufficient to determine the role of this variant in disease. Therefore, it has been classified as a Variant of Uncertain Significance. Algorithms developed to predict the effect of missense changes on protein structure and function output the following: SIFT: "Tolerated"; PolyPhen-2: "Probably Damaging"; Align-GVGD: "Class C0". The arginine amino acid residue is found in multiple mammalian species, which suggests that this missense change does not adversely affect protein function. ClinVar contains an entry for this variant (Variation ID: 1393051). This variant has not been reported in the literature in individuals affected with HMCN1-related conditions. This variant is present in population databases (no rsID available, gnomAD 0.008%). This sequence change replaces lysine, which is basic and polar, with arginine, which is basic and polar, at codon 2559 of the HMCN1 protein (p.Lys2559Arg).